The following is an entry in ClinVar:

ClinVar aggregate classification (germline): Uncertain significance (1 of 4 stars; one submission).

gnomAD v4.1: 5 of 1,603,260 alleles (0.00031%); highest among the groups gnomAD compares: Middle Eastern, 0.017%; no homozygotes.

Submission:

Labcorp Genetics (formerly Invitae), Labcorp
Classification: Uncertain significance. Last evaluated: 2025-11-05. Review status: criteria provided, single submitter. Criteria: Invitae Variant Classification Sherloc (09022015). Collection method: clinical testing. Allele origin: germline.
Comment: This sequence change falls in intron 4 of the TNNI3K gene. It does not directly change the encoded amino acid sequence of the TNNI3K protein. It affects a nucleotide within the consensus splice site. This variant is not present in population databases (gnomAD no frequency). This variant has not been reported in the literature in individuals affected with TNNI3K-related conditions. Variants that disrupt the consensus splice site are a relatively common cause of aberrant splicing (PMID: 17576681, 9536098). Algorithms developed to predict the effect of sequence changes on RNA splicing suggest that this variant is not likely to affect RNA splicing. In summary, the available evidence is currently insufficient to determine the role of this variant in disease. Therefore, it has been classified as a Variant of Uncertain Significance.

Literature cited by the submitters: PubMed 17576681; PubMed 9536098.

NM_015978.3(TNNI3K):c.333+5G>A

Genes: FPGT-TNNI3K (FPGT-TNNI3K readthrough; plus strand), TNNI3K (TNNI3 interacting kinase; plus strand). Cytogenetic location: 1p31.1.
Variant type: single nucleotide variant.
Coding change: c.333+5G>A on transcript NM_015978.3 (MANE Select); 5 bases into the intron after coding-DNA position 333, G replaced by A.
Molecular consequence: intron variant.
Genome position (GRCh38, 1-based): chr1:74,250,774, G>A. VCF-style: chr1-74250774-G-A. GRCh37 (hg19) VCF-style: chr1-74716458-G-A.
Other names: c.636+5G>A (NM_001112808.3, NM_001199327.2).
Identifiers: ClinVar variation 4754638 (VCV004754638.1).